The following is an entry in ClinVar:

NM_001999.4(FBN2):c.6445+3A>G

Gene: FBN2 (fibrillin 2; minus strand). Cytogenetic location: 5q23.3.
Variant type: single nucleotide variant.
Coding change: c.6445+3A>G on transcript NM_001999.4 (MANE Select); 3 bases into the intron after coding-DNA position 6445, A replaced by G.
Molecular consequence: intron variant.
Genome position (GRCh38, 1-based): chr5:128,290,729, T>C on the plus strand (A>G on the coding strand, the complement: FBN2 is on the minus strand). VCF-style: chr5-128290729-T-C. GRCh37 (hg19) VCF-style: chr5-127626421-T-C.
Identifiers: ClinVar variation 1982982 (VCV001982982.4), dbSNP rs2479682098, ClinGen allele CA2580072565.

ClinVar aggregate classification (germline): Uncertain significance (1 of 4 stars; one submission).

Conditions:
Congenital contractural arachnodactyly (CCA). Also called: Beals-Hecht syndrome; Arthrogryposis, distal, type 9; BEALS SYNDROME. Identifiers: Orphanet 115, MedGen C0220668, MONDO:0007363, OMIM 121050.

Allele frequency attached by ClinVar (database versions not stated): gnomAD exomes below 0.00001.
gnomAD v4.1: 1 of 1,614,144 alleles (0.000062%); highest among the groups gnomAD compares: Non-Finnish European, 0.000085%; no homozygotes.

Submission:

Labcorp Genetics (formerly Invitae), Labcorp
Classification: Uncertain significance for Congenital contractural arachnodactyly. Last evaluated: 2022-09-30. Review status: criteria provided, single submitter. Criteria: Invitae Variant Classification Sherloc (09022015). Collection method: clinical testing. Allele origin: germline.
Comment: This variant has not been reported in the literature in individuals affected with FBN2-related conditions. In summary, the available evidence is currently insufficient to determine the role of this variant in disease. Therefore, it has been classified as a Variant of Uncertain Significance. Variants that disrupt the consensus splice site are a relatively common cause of aberrant splicing (PMID: 17576681, 9536098). Algorithms developed to predict the effect of sequence changes on RNA splicing suggest that this variant is not likely to affect RNA splicing. This variant is not present in population databases (gnomAD no frequency). This sequence change falls in intron 50 of the FBN2 gene. It does not directly change the encoded amino acid sequence of the FBN2 protein. It affects a nucleotide within the consensus splice site.

Literature cited by the submitters: PubMed 17576681; PubMed 9536098.